The following is an entry in ClinVar:

NM_018292.5(QRSL1):c.788A>G (p.Asn263Ser)

Gene: QRSL1 (glutaminyl-tRNA amidotransferase subunit QRSL1; plus strand). Cytogenetic location: 6q21.
Variant type: single nucleotide variant.
Coding change: c.788A>G on transcript NM_018292.5 (MANE Select); coding-DNA position 788, A replaced by G.
Protein change: p.Asn263Ser; replaces asparagine 263 with serine.
Molecular consequence: missense variant.
Genome position (GRCh38, 1-based): chr6:106,652,521, A>G. VCF-style: chr6-106652521-A-G. GRCh37 (hg19) VCF-style: chr6-107100396-A-G.
Other names: short protein forms N263S.
Identifiers: ClinVar variation 1183485 (VCV001183485.12), dbSNP rs34221917, ClinGen allele CA3944856.

ClinVar aggregate classification (germline): Benign. Review status: criteria provided, multiple submitters, no conflicts (2 of 4 stars). 3 submissions from 3 submitters: Benign (2). 1 of the submissions does not count toward it. Last evaluated 2026-01-31.

Conditions:
QRSL1-related disorder. Also called: QRSL1-related condition.

Allele frequency attached by ClinVar (database versions not stated): gnomAD 0.03476 and 0.03762; ESP Exome Variant Server 0.03506; TOPMed 0.03574; 1000 Genomes Project 30x 0.05215; ExAC 0.05060; 1000 Genomes Project 0.05471; gnomAD exomes 0.05086.
gnomAD v4.1: 75,171 of 1,614,220 alleles (4.7%); highest among the groups gnomAD compares: South Asian, 10%; 2,113 homozygotes.

Submissions (3):

Labcorp Genetics (formerly Invitae), Labcorp
Classification: Benign. Last evaluated: 2026-01-31. Review status: criteria provided, single submitter. Criteria: Invitae Variant Classification Sherloc (09022015). Collection method: clinical testing. Allele origin: germline.

GeneDx
Classification: Benign. Last evaluated: 2021-05-05. Review status: criteria provided, single submitter. Criteria: GeneDx Variant Classification Process June 2021. Collection method: clinical testing. Allele origin: germline. Affected: yes.

PreventionGenetics, part of Exact Sciences
Classification: Benign for QRSL1-related condition. Last evaluated: 2019-11-19. Review status: no assertion criteria provided. Collection method: clinical testing. Allele origin: germline. Not counted in ClinVar's aggregate classification.
Comment: This variant is classified as benign based on ACMG/AMP sequence variant interpretation guidelines (Richards et al. 2015 PMID: 25741868, with internal and published modifications).